The following is an entry in ClinVar:

ClinVar aggregate classification (germline): Uncertain significance (1 of 4 stars; one submission).

Conditions:
Norman-Roberts syndrome (LIS2). Also called: Lissencephaly 2 (Norman-Roberts type). Identifiers: Orphanet 89844, MedGen C0796089, MONDO:0009760, OMIM 257320.
Familial temporal lobe epilepsy 7. Identifiers: Orphanet 101046, MedGen C4225327, MONDO:0014639, OMIM 616436.

Allele frequency attached by ClinVar (database versions not stated): gnomAD exomes below 0.00001.

Submission:

Labcorp Genetics (formerly Invitae), Labcorp
Classification: Uncertain significance for Familial temporal lobe epilepsy 7; Norman-Roberts syndrome. Last evaluated: 2024-09-26. Review status: criteria provided, single submitter. Criteria: Invitae Variant Classification Sherloc (09022015). Collection method: clinical testing. Allele origin: germline.
Comment: This variant occurs in a non-coding region of the RELN gene. It does not change the encoded amino acid sequence of the RELN protein. This variant is not present in population databases (gnomAD no frequency). This variant has not been reported in the literature in individuals affected with RELN-related conditions. This variant is also known as c.-5_1dup (p.Met1?). ClinVar contains an entry for this variant (Variation ID: 1896120). Experimental studies and prediction algorithms are not available or were not evaluated, and the functional significance of this variant is currently unknown. In summary, the available evidence is currently insufficient to determine the role of this variant in disease. Therefore, it has been classified as a Variant of Uncertain Significance.

NM_005045.4(RELN):c.-5_1dup (p.Met(?_1)_Met1(?))

Gene: RELN (reelin; minus strand). Cytogenetic location: 7q22.1.
Variant type: Duplication.
Molecular consequence: inframe insertion, initiator codon variant (on NM_005045.4).
Genome position: GRCh38 VCF-style: chr7-103989355-A-ATGCCGC. GRCh37 (hg19) VCF-style: chr7-103629802-A-ATGCCGC.
Other names: c.-5_1dup, p.Met(?_1)_Met1(?) (NM_005045.4, NM_173054.3).
Identifiers: ClinVar variation 1896120 (VCV001896120.6), dbSNP rs1554453538, ClinGen allele CA830828386.
Genomic context (GRCh38, chr7:103,989,355, plus strand): 5'-AGCGTCGCCCCCAGCAACAGCGCTAGGAGGAAAGTCTGCCGGGCCCAGCCACTGCGCTCC[A>ATGCCGC]TGCCGCCGCCGCCGCCGCCGCCGCCGCGCGCCCTACGCGCCGCTCGCTCATTCAGTTTTG-3'